The following is an entry in ClinVar:

ClinVar aggregate classification (germline): Pathogenic. Review status: criteria provided, multiple submitters, no conflicts (2 of 4 stars). 4 submissions from 4 submitters: Pathogenic (4). Last evaluated 2026-07-13.

Conditions:
NOTCH3-related disorder. Also called: NOTCH3-related condition; NOTCH3-related disorders.
Cerebral arteriopathy, autosomal dominant, with subcortical infarcts and leukoencephalopathy, type 1 (CADASIL1). Also called: CASIL; Cerebral arteriopathy with subcortical infarcts and leukoencephalopathy 1; DEMENTIA, HEREDITARY MULTIINFARCT TYPE; CADASIL 1. Identifiers: Orphanet 136, MedGen C4551768, MONDO:0000914, OMIM 125310.

Submissions (4):

PreventionGenetics, part of Exact Sciences
Classification: Pathogenic for NOTCH3-related condition. Last evaluated: 2026-07-13. Review status: criteria provided, single submitter. Criteria: ACMG Guidelines, 2015. Collection method: clinical testing. Allele origin: germline.
Comment: The NOTCH3 c.146G>A variant is predicted to result in the amino acid substitution p.Cys49Tyr. This variant has been reported in multiple patients with CADASIL, and functional studies support its pathogenicity (Joutel et al. 1997 PubMed ID: 9388399; Meng et al. 2012. PubMed ID: 23028706). An alternate change at the same amino acid position is also documented in association with disease (Cys49Phe; Opherk et al. 2004. PubMed ID: 15364702). This variant has not been reported in the gnomAD database, indicating this variant is rare. Most CADASIL causing variants in the NOTCH3 gene result in the gain or loss of one or more cysteine residues in the extracellular domain of the protein, as seen in this patient. This patient’s variant alters a cysteine residue, and is located in the extracellular EGFr-like domain 1. Pathogenic variants in EGFr domains 1-6 appear to be fully penetrant and are usually associated with the classical CADASIL phenotype. However, there is variability in disease severity. Pathogenic variants in EGFr domains 7-34 have a much higher population frequency, and can predispose to a milder small-vessel disease, possibly even displaying incomplete or at least very late onset complete penetrance (OMIM #125310; Rutten et al. 2016. PubMed ID: 27844030; Rutten et al. 2019. PubMed ID: 30032161). This variant is interpreted as pathogenic.

Women's Health and Genetics/Laboratory Corporation of America, LabCorp
Classification: Pathogenic for Cerebral arteriopathy, autosomal dominant, with subcortical infarcts and leukoencephalopathy, type 1. Last evaluated: 2025-07-21. Review status: criteria provided, single submitter. Criteria: LabCorp Variant Classification Summary - May 2015. Collection method: clinical testing. Allele origin: germline.
Comment: Variant summary: NOTCH3 c.146G>A (p.Cys49Tyr) results in a non-conservative amino acid change in the encoded protein sequence. Algorithms developed to predict the effect of missense changes on protein structure and function all suggest that this variant is likely to be disruptive. The variant was absent in 245658 control chromosomes. c.146G>A has been observed in individual(s) affected with Cerebral arteriopathy, autosomal dominant, with subcortical infarcts and leukoencephalopathy, type 1 (Joutel_1997, Tikka_2009, Formichi_2009, internal data). These data indicate that the variant is likely to be associated with disease. A different variant affecting the same codon has been classified as likely pathogenic/pathogenic by our lab (c.145T>G, p.Cys49Gly), supporting the critical relevance of codon 49 to NOTCH3 protein function. At least one publication reports experimental evidence evaluating an impact on protein function. The most pronounced variant effect results in increased protein aggregation in vitro (Meng_2012). The following publications have been ascertained in the context of this evaluation (PMID: 9388399, 23028706, 19174371, 19180562). ClinVar contains an entry for this variant (Variation ID: 447786). Based on the evidence outlined above, the variant was classified as pathogenic.

Athena Diagnostics
Classification: Pathogenic. Last evaluated: 2025-04-01. Review status: criteria provided, single submitter. Criteria: Athena Diagnostics Criteria. Collection method: clinical testing. Allele origin: unknown.
Comment: This variant alters a critical location within the protein, and is expected to severely affect function and cause disease. This variant has not been reported in large, multi-ethnic general populations. This variant has been identified in at least one individual with CADASIL. In some published literature, this variant is referred to as c.224G>A. Assessment of experimental evidence suggests this variant results in abnormal protein function. (PMID: 23028706) Greater than 90% of NOTCH3 pathogenic variants associated with CADASIL involve the gain or loss of a cysteine residue within the epidermal growth factor (EGF)-like repeat domain (PMID: 32457593, 20301673).

Labcorp Genetics (formerly Invitae), Labcorp
Classification: Pathogenic. Last evaluated: 2023-08-24. Review status: criteria provided, single submitter. Criteria: Invitae Variant Classification Sherloc (09022015). Collection method: clinical testing. Allele origin: germline.
Comment: This sequence change replaces cysteine, which is neutral and slightly polar, with tyrosine, which is neutral and polar, at codon 49 of the NOTCH3 protein (p.Cys49Tyr). For these reasons, this variant has been classified as Pathogenic. This variant disrupts the p.Cys49 amino acid residue in NOTCH3. Other variant(s) that disrupt this residue have been determined to be pathogenic (PMID: 17389000, 20935329). This suggests that this residue is clinically significant, and that variants that disrupt this residue are likely to be disease-causing. Experimental studies have shown that this missense change affects NOTCH3 function (PMID: 23028706). Advanced modeling of protein sequence and biophysical properties (such as structural, functional, and spatial information, amino acid conservation, physicochemical variation, residue mobility, and thermodynamic stability) performed at Invitae indicates that this missense variant is expected to disrupt NOTCH3 protein function. ClinVar contains an entry for this variant (Variation ID: 447786). This missense change has been observed in individuals with CADASIL and/or clinical features of CADASIL (PMID: 9388399, 19174371, 19180562; Invitae). This variant is not present in population databases (gnomAD no frequency).

Literature cited by the submitters: PubMed 9388399 (cited by 3 submitters); PubMed 19174371 (cited by 3 submitters); PubMed 19180562 (cited by 3 submitters); PubMed 23028706 (cited by 3 submitters); PubMed 17389000 (cited by Labcorp Genetics (formerly Invitae), Labcorp); PubMed 20935329 (cited by Labcorp Genetics (formerly Invitae), Labcorp).

NM_000435.3(NOTCH3):c.146G>A (p.Cys49Tyr)

Gene: NOTCH3 (notch receptor 3; minus strand). Cytogenetic location: 19p13.12.
Variant type: single nucleotide variant.
Coding change: c.146G>A on transcript NM_000435.3 (MANE Select); coding-DNA position 146, G replaced by A.
Protein change: p.Cys49Tyr; replaces cysteine 49 with tyrosine.
Molecular consequence: missense variant.
Genome position (GRCh38, 1-based): chr19:15,197,551, C>T on the plus strand (G>A on the coding strand, the complement: NOTCH3 is on the minus strand). VCF-style: chr19-15197551-C-T. GRCh37 (hg19) VCF-style: chr19-15308362-C-T.
Other names: short protein forms C49Y.
Identifiers: ClinVar variation 447786 (VCV000447786.13), dbSNP rs193921045, ClinGen allele CA404483407.
Genomic context (GRCh38, chr19:15,197,551, plus strand): 5'-GGCACTCACAGGCAGGCAGCCTCCCGGGAGGGCAGCTGGGTGCAACGACCTCCATTTGCA[C>T]ACGGGCTTCCGTCCAGGCAAGGGGGGGCTGTGTGGGGGTGAAGGAAGGTGGAGGATCAGC-3'
Protein context (NP_000426.2, residues 39-59): AAPPCLDGSP[Cys49Tyr]ANGGRCTQLP